The following is an entry in ClinVar:

NM_000481.4(AMT):c.354G>A (p.Leu118=)

Gene: AMT (aminomethyltransferase; minus strand). Cytogenetic location: 3p21.31.
Variant type: single nucleotide variant.
Coding change: c.354G>A on transcript NM_000481.4 (MANE Select); coding-DNA position 354, G replaced by A.
Protein change: p.Leu118=; no amino-acid change (leucine 118 retained).
Molecular consequence: synonymous variant. On other transcripts: non-coding transcript variant (1), intron variant (1).
Genome position (GRCh38, 1-based): chr3:49,420,328, C>T on the plus strand (G>A on the coding strand, the complement: AMT is on the minus strand). VCF-style: chr3-49420328-C-T. GRCh37 (hg19) VCF-style: chr3-49457761-C-T.
Other names: c.186G>A, p.Leu62= (NM_001164711.2); c.354G>A, p.Leu118= (NM_001164712.2); c.340-540G>A (NM_001164710.2).
Identifiers: ClinVar variation 256239 (VCV000256239.60), dbSNP rs145194293, ClinGen allele CA2398387.

ClinVar aggregate classification (germline): Conflicting classifications of pathogenicity. Review status: criteria provided, conflicting classifications (1 of 4 stars). 8 submissions from 8 submitters: Uncertain significance (1); Benign (2); Likely benign (2). 3 of the submissions do not count toward it. Last evaluated 2026-06-01.

Conditions:
Glycine encephalopathy. Also called: Non-ketotic hyperglycinemia; Nonketotic hyperglycinemia. Identifiers: Orphanet 407, MedGen C0751748, MONDO:0011612, HP:0008288.

Allele frequency attached by ClinVar (database versions not stated): ESP Exome Variant Server 0.00046; gnomAD 0.00072; gnomAD exomes 0.00078 and 0.00103; TOPMed 0.00081; ExAC 0.00104.
gnomAD v4.1: 1,328 of 1,614,170 alleles (0.082%); highest among the groups gnomAD compares: Middle Eastern, 2.6%; 17 homozygotes.

Submissions (8):

CeGaT Center for Human Genetics Tuebingen
Classification: Likely benign. Last evaluated: 2026-06-01. Review status: criteria provided, single submitter. Criteria: CeGaT Center For Human Genetics Tuebingen Variant Classification Criteria Version 2. Collection method: clinical testing. Allele origin: germline. Affected: yes. Observed: 8 variant alleles.
Comment: AMT: BP4, BP7

Labcorp Genetics (formerly Invitae), Labcorp
Classification: Benign for Glycine encephalopathy. Last evaluated: 2026-02-02. Review status: criteria provided, single submitter. Criteria: Invitae Variant Classification Sherloc (09022015). Collection method: clinical testing. Allele origin: germline.

Blueprint Genetics
Classification: Likely benign. Last evaluated: 2024-11-06. Review status: criteria provided, single submitter. Criteria: ACMG Guidelines, 2015. Collection method: clinical testing. Allele origin: germline.

Illumina Laboratory Services, Illumina
Classification: Uncertain significance for Glycine encephalopathy 1. Last evaluated: 2018-01-13. Review status: criteria provided, single submitter. Criteria: ICSL Variant Classification Criteria 13 December 2019. Collection method: clinical testing. Allele origin: germline.

PreventionGenetics, part of Exact Sciences
Classification: Benign. Review status: criteria provided, single submitter. Criteria: ACMG Guidelines, 2015. Collection method: clinical testing. Allele origin: germline.

Natera, Inc.
Classification: Benign for Non-ketotic hyperglycinemia. Last evaluated: 2020-09-16. Review status: no assertion criteria provided. Collection method: clinical testing. Allele origin: germline. Not counted in ClinVar's aggregate classification.

Clinical Genetics DNA and cytogenetics Diagnostics Lab, Erasmus MC, Erasmus Medical Center
Classification: Likely benign. Review status: no assertion criteria provided. Collection method: clinical testing. Allele origin: germline. Affected: yes. Study: VKGL Data-share Consensus. Not counted in ClinVar's aggregate classification.

Genome Diagnostics Laboratory, University Medical Center Utrecht
Classification: Likely benign. Review status: no assertion criteria provided. Collection method: clinical testing. Allele origin: germline. Affected: yes. Study: VKGL Data-share Consensus. Not counted in ClinVar's aggregate classification.